The following is an entry in ClinVar:

ClinVar aggregate classification (germline): Uncertain significance (1 of 4 stars; one submission).

Conditions:
Familial isolated arrhythmogenic right ventricular dysplasia. Identifiers: Orphanet 217656, MedGen C4274968, MONDO:0016342.

Submission:

All of Us Research Program, National Institutes of Health
Classification: Uncertain significance for Familial isolated arrhythmogenic right ventricular dysplasia. Last evaluated: 2024-07-29. Review status: criteria provided, single submitter. Criteria: ACMG Guidelines, 2015. Collection method: clinical testing. Allele origin: germline. Inheritance: Autosomal dominant inheritance. Observed: 1 variant allele, 1 heterozygote.
Comment: This missense variant replaces threonine with proline at codon 59 of the DSC2 protein. Computational prediction suggests that this variant may not impact protein structure and function (internally defined REVEL score threshold <= 0.5, PMID: 27666373). To our knowledge, functional studies have not been reported for this variant. This variant has not been reported in individuals affected with DSC2-related disorders in the literature. This variant has not been identified in the general population by the Genome Aggregation Database (gnomAD). The available evidence is insufficient to determine the role of this variant in disease conclusively. Therefore, this variant is classified as a Variant of Uncertain Significance.

This study involves interpretation of variants in research participants for the purpose of population health screening. Participant phenotype was not available at the time of variant classification. Additional details can be found in publication PMID: 35346344, PMCID: PMC8962531

NM_024422.6(DSC2):c.175A>C (p.Thr59Pro)

Gene: DSC2 (desmocollin 2; minus strand). Cytogenetic location: 18q12.1.
Variant type: single nucleotide variant.
Coding change: c.175A>C on transcript NM_024422.6 (MANE Select); coding-DNA position 175, A replaced by C.
Protein change: p.Thr59Pro; replaces threonine 59 with proline.
Molecular consequence: missense variant. On other transcripts: 5 prime UTR variant (2).
Genome position (GRCh38, 1-based): chr18:31,092,280, T>G on the plus strand (A>C on the coding strand, the complement: DSC2 is on the minus strand). VCF-style: chr18-31092280-T-G. GRCh37 (hg19) VCF-style: chr18-28672243-T-G.
Other names: c.-255A>C (NM_001406506.1, NM_001406507.1); c.175A>C, p.Thr59Pro (NM_004949.5); short protein forms T59P.
Identifiers: ClinVar variation 3386558 (VCV003386558.1).